The following is an entry in ClinVar:

ClinVar aggregate classification (germline): Likely benign (0 of 4 stars; one submission).

Conditions:
ATP2A3-related disorder. Also called: ATP2A3-related condition.

Allele frequency attached by ClinVar (database versions not stated): gnomAD exomes 0.00001; gnomAD 0.00007; 1000 Genomes Project 30x 0.00047.
gnomAD v4.1: 66 of 1,547,650 alleles (0.0043%); highest among the groups gnomAD compares: East Asian, 0.069%; no homozygotes.

Submission:

PreventionGenetics, part of Exact Sciences
Classification: Likely benign for ATP2A3-related condition. Last evaluated: 2019-07-12. Review status: no assertion criteria provided. Collection method: clinical testing. Allele origin: germline.
Comment: This variant is classified as likely benign based on ACMG/AMP sequence variant interpretation guidelines (Richards et al. 2015 PMID: 25741868, with internal and published modifications).

NM_005173.4(ATP2A3):c.1155G>C (p.Ser385=)

Gene: ATP2A3 (ATPase sarcoplasmic/endoplasmic reticulum Ca2+ transporting 3; minus strand). Cytogenetic location: 17p13.2.
Variant type: single nucleotide variant.
Coding change: c.1155G>C on transcript NM_005173.4 (MANE Select); coding-DNA position 1155, G replaced by C.
Protein change: p.Ser385=; no amino-acid change (serine 385 retained).
Molecular consequence: synonymous variant.
Genome position (GRCh38, 1-based): chr17:3,945,089, C>G on the plus strand (G>C on the coding strand, the complement: ATP2A3 is on the minus strand). VCF-style: chr17-3945089-C-G. GRCh37 (hg19) VCF-style: chr17-3848383-C-G.
Other names: c.1155G>C, p.Ser385= (NM_174953.3, NM_174954.3, NM_174955.3 and 3 more transcripts).
Identifiers: ClinVar variation 3050071 (VCV003050071.2), dbSNP rs1032107053, ClinGen allele CA287109815.